The following is an entry in ClinVar:

ClinVar aggregate classification (germline): Uncertain significance. Review status: criteria provided, single submitter (1 of 4 stars). 2 submissions from 2 submitters: Uncertain significance (1). 1 of the submissions does not count toward it. Last evaluated 2026-06-10.

Conditions:
Dyskeratosis congenita. Identifiers: Orphanet 1775, MedGen C0265965, MONDO:0015780.
TERT-related disorder. Also called: TERT-related condition; TERT-related disorders.

gnomAD v4.1: 1 of 1,614,192 alleles (0.000062%); no homozygotes.

Submissions (2):

Ambry Genetics
Classification: Uncertain significance for Dyskeratosis congenita. Last evaluated: 2026-06-10. Review status: criteria provided, single submitter. Criteria: Ambry Variant Classification Scheme 2023. Collection method: clinical testing. Allele origin: germline.
Comment: The p.L573H variant (also known as c.1718T>A), located in coding exon 3 of the TERT gene, results from a T to A substitution at nucleotide position 1718. The leucine at codon 573 is replaced by histidine, an amino acid with similar properties. This amino acid position is conserved. In addition, this alteration is predicted to be deleterious by in silico analysis. Based on the available evidence, the clinical significance of this variant remains unclear.

PreventionGenetics, part of Exact Sciences
Classification: Uncertain significance for TERT-related condition. Last evaluated: 2024-05-04. Review status: no assertion criteria provided. Collection method: clinical testing. Allele origin: germline. Not counted in ClinVar's aggregate classification.
Comment: The TERT c.1718T>A variant is predicted to result in the amino acid substitution p.Leu573His. To our knowledge, this variant has not been reported in the literature or in a large population database, indicating this variant is rare. At this time, the clinical significance of this variant is uncertain due to the absence of conclusive functional and genetic evidence.

NM_198253.3(TERT):c.1718T>A (p.Leu573His)

Gene: TERT (telomerase reverse transcriptase; minus strand). Cytogenetic location: 5p15.33.
Variant type: single nucleotide variant.
Coding change: c.1718T>A on transcript NM_198253.3 (MANE Select); coding-DNA position 1718, T replaced by A.
Protein change: p.Leu573His; replaces leucine 573 with histidine.
Molecular consequence: missense variant. On other transcripts: non-coding transcript variant (2).
Genome position (GRCh38, 1-based): chr5:1,282,480, A>T on the plus strand (T>A on the coding strand, the complement: TERT is on the minus strand). VCF-style: chr5-1282480-A-T. GRCh37 (hg19) VCF-style: chr5-1282595-A-T.
Other names: c.1718T>A, p.Leu573His (NM_001193376.3); short protein forms L573H.
Identifiers: ClinVar variation 3344177 (VCV003344177.2).